The following is an entry in ClinVar:

NM_000035.4(ALDOB):c.887G>A (p.Trp296Ter)

Gene: ALDOB (aldolase, fructose-bisphosphate B; minus strand). Cytogenetic location: 9q31.1.
Variant type: single nucleotide variant.
Coding change: c.887G>A on transcript NM_000035.4 (MANE Select); coding-DNA position 887, G replaced by A.
Protein change: p.Trp296Ter; replaces tryptophan 296 with a stop codon.
Molecular consequence: nonsense.
Genome position (GRCh38, 1-based): chr9:101,424,955, C>T on the plus strand (G>A on the coding strand, the complement: ALDOB is on the minus strand). VCF-style: chr9-101424955-C-T. GRCh37 (hg19) VCF-style: chr9-104187237-C-T.
Other names: short protein forms W296*.
Identifiers: ClinVar variation 993008 (VCV000993008.8), dbSNP rs1249398093, ClinGen allele CA374264415.

ClinVar aggregate classification (germline): Pathogenic/Likely pathogenic. Review status: criteria provided, multiple submitters, no conflicts (2 of 4 stars). 3 submissions from 3 submitters: Pathogenic (1); Likely pathogenic (1). 1 of the submissions does not count toward it. Last evaluated 2023-10-30.

Conditions:
Hereditary fructosuria. Also called: ALDOB DEFICIENCY; ALDOLASE B DEFICIENCY; FRUCTOSE-1,6-BISPHOSPHATE ALDOLASE B DEFICIENCY; FRUCTOSE-1-PHOSPHATE ALDOLASE DEFICIENCY; FRUCTOSEMIA; Hereditary fructose intolerance. Identifiers: Orphanet 469, MedGen C0016751, MONDO:0009249, OMIM 229600, HP:0005973. Disease mechanism: loss of function.

Submissions (3):

Labcorp Genetics (formerly Invitae), Labcorp
Classification: Pathogenic for Hereditary fructosuria. Last evaluated: 2023-10-30. Review status: criteria provided, single submitter. Criteria: Invitae Variant Classification Sherloc (09022015). Collection method: clinical testing. Allele origin: germline.
Comment: This sequence change creates a premature translational stop signal (p.Trp296*) in the ALDOB gene. It is expected to result in an absent or disrupted protein product. Loss-of-function variants in ALDOB are known to be pathogenic (PMID: 18541450). This variant is not present in population databases (gnomAD no frequency). This variant has not been reported in the literature in individuals affected with ALDOB-related conditions. ClinVar contains an entry for this variant (Variation ID: 993008). Algorithms developed to predict the effect of sequence changes on RNA splicing suggest that this variant may disrupt the consensus splice site. For these reasons, this variant has been classified as Pathogenic.

GeneDx
Classification: Likely pathogenic. Last evaluated: 2019-11-21. Review status: criteria provided, single submitter. Criteria: GeneDx Variant Classification Process June 2021. Collection method: clinical testing. Allele origin: germline. Affected: yes.
Comment: Nonsense variant predicted to result in protein truncation or nonsense mediated decay in a gene for which loss-of-function is a known mechanism of disease; Not observed in large population cohorts (Lek et al., 2016); Has not been previously published as pathogenic or benign to our knowledge

Biochemical Molecular Genetic Laboratory, King Abdulaziz Medical City
Classification: Likely pathogenic for Hereditary fructosuria. Last evaluated: 2020-05-06. Review status: no assertion criteria provided. Collection method: clinical testing. Allele origin: germline. Affected: yes. Not counted in ClinVar's aggregate classification.

Literature cited by the submitters: PubMed 18541450 (cited by Labcorp Genetics (formerly Invitae), Labcorp).